The following is an entry in ClinVar:

NM_022051.2(EGLN1):c.-544C>T

Gene: EGLN1 (egl-9 family hypoxia inducible factor 1; minus strand). Cytogenetic location: 1q42.2.
Variant type: single nucleotide variant.
Coding change: c.-544C>T on transcript NM_022051.2; 544 bases upstream of the start codon, C replaced by T.
Genome position (GRCh38, 1-based): chr1:231,422,432, G>A on the plus strand (C>T on the coding strand, the complement: EGLN1 is on the minus strand). VCF-style: chr1-231422432-G-A. GRCh37 (hg19) VCF-style: chr1-231558178-G-A.
Identifiers: ClinVar variation 875255 (VCV000875255.7), dbSNP rs188879504, ClinGen allele CA38949954.

ClinVar aggregate classification (germline): Benign. Review status: criteria provided, multiple submitters, no conflicts (2 of 4 stars). 2 submissions from 2 submitters: Benign (2). Last evaluated 2018-01-13.

Conditions:
Erythrocytosis, familial, 3 (ECYT3). Identifiers: Orphanet 247511, MedGen C1853286, MONDO:0012353, OMIM 609820.

Allele frequency attached by ClinVar (database versions not stated): 1000 Genomes Project 30x 0.02545; TOPMed 0.02301; 1000 Genomes Project 0.02476; gnomAD 0.02076 and 0.02224.

Submissions (2):

Illumina Laboratory Services, Illumina
Classification: Benign for Erythrocytosis, familial, 3. Last evaluated: 2018-01-13. Review status: criteria provided, single submitter. Criteria: ICSL Variant Classification Criteria 13 December 2019. Collection method: clinical testing. Allele origin: germline.
Comment: This variant was observed in the ICSL laboratory as part of a predisposition screen in an ostensibly healthy population. It had not been previously curated by ICSL or reported in the Human Gene Mutation Database (HGMD: prior to June 1st, 2018), and was therefore a candidate for classification through an automated scoring system. Utilizing variant allele frequency, disease prevalence and penetrance estimates, and inheritance mode, an automated score was calculated to assess if this variant is too frequent to cause the disease. Based on the score and internal cut-off values, a variant classified as benign is not then subjected to further curation. The score for this variant resulted in a classification of benign for this disease.

Breakthrough Genomics
Classification: Benign. Review status: criteria provided, single submitter. Criteria: ACMG Guidelines, 2015. Collection method: not provided. Allele origin: germline. Inheritance: Autosomal dominant inheritance. Affected: yes.